The following is an entry in ClinVar:

NM_001267550.2(TTN):c.31701C>T (p.Pro10567=)

Gene: TTN (titin; minus strand). Cytogenetic location: 2q31.2.
Variant type: single nucleotide variant.
Coding change: c.31701C>T on transcript NM_001267550.2 (MANE Select); coding-DNA position 31701, C replaced by T.
Protein change: p.Pro10567=; no amino-acid change (proline 10567 retained).
Molecular consequence: synonymous variant. On other transcripts: intron variant (3).
Genome position (GRCh38, 1-based): chr2:178,692,077, G>A on the plus strand (C>T on the coding strand, the complement: TTN is on the minus strand). VCF-style: chr2-178692077-G-A. GRCh37 (hg19) VCF-style: chr2-179556804-G-A.
Other names: c.30750C>T, p.Pro10250= (NM_001256850.1); c.27969C>T, p.Pro9323= (NM_133378.4); c.13282+46005C>T (NM_003319.4); c.13858+46005C>T (NM_133437.4); c.13657+46005C>T (NM_133432.3).
Identifiers: ClinVar variation 1461188 (VCV001461188.9), dbSNP rs779404719, ClinGen allele CA1998873.

ClinVar aggregate classification (germline): Likely benign. Review status: criteria provided, multiple submitters, no conflicts (2 of 4 stars). 2 submissions from 2 submitters: Likely benign (2). Last evaluated 2025-12-23.

Conditions:
Dilated cardiomyopathy 1G (CMD1G). Identifiers: Orphanet 154, MedGen C1858763, MONDO:0011400, OMIM 604145.
Autosomal recessive limb-girdle muscular dystrophy type 2J (LGMDR10). Also called: Limb-girdle muscular dystrophy, type 2J; MUSCULAR DYSTROPHY, LIMB-GIRDLE, AUTOSOMAL RECESSIVE 10. Identifiers: Orphanet 140922, MedGen C1837342, MONDO:0012127, OMIM 608807.

Allele frequency attached by ClinVar (database versions not stated): gnomAD exomes 0.00001 and 0.00002; ExAC 0.00002; TOPMed 0.00003; gnomAD 0.00004.
gnomAD v4.1: 23 of 1,612,692 alleles (0.0014%); highest among the groups gnomAD compares: Admixed American, 0.017%; no homozygotes.

Submissions (2):

Labcorp Genetics (formerly Invitae), Labcorp
Classification: Likely benign for Dilated cardiomyopathy 1G; Autosomal recessive limb-girdle muscular dystrophy type 2J. Last evaluated: 2025-12-23. Review status: criteria provided, single submitter. Criteria: Invitae Variant Classification Sherloc (09022015). Collection method: clinical testing. Allele origin: germline.

Women's Health and Genetics/Laboratory Corporation of America, LabCorp
Classification: Likely benign. Last evaluated: 2023-10-17. Review status: criteria provided, single submitter. Criteria: LabCorp Variant Classification Summary - May 2015. Collection method: clinical testing. Allele origin: germline.
Comment: Variant summary: TTN c.27969C>T alters a non-conserved nucleotide resulting in a synonymous change. Consensus agreement among computation tools predict no significant impact on normal splicing. However, these predictions have yet to be confirmed by functional studies. The variant allele was found at a frequency of 2.4e-05 in 248912 control chromosomes (gnomAD). The available data on variant occurrences in the general population are insufficient to allow any conclusion about variant significance. To our knowledge, no occurrence of c.27969C>T in individuals affected with Limb-Girdle Muscular Dystrophy, Type 2J or Cardiomyopathy and no experimental evidence demonstrating its impact on protein function have been reported. One submitter has cited a clinical-significance assessment for this variant to ClinVar after 2014 and has classified the variant as likely benign. Based on the evidence outlined above, the variant was classified as likely benign.